The following is an entry in ClinVar:

ClinVar aggregate classification (germline): Uncertain significance (1 of 4 stars; one submission).

Allele frequency attached by ClinVar (database versions not stated): gnomAD exomes below 0.00001.

Submission:

Labcorp Genetics (formerly Invitae), Labcorp
Classification: Uncertain significance. Last evaluated: 2021-11-22. Review status: criteria provided, single submitter. Criteria: Invitae Variant Classification Sherloc (09022015). Collection method: clinical testing. Allele origin: germline.
Comment: In summary, the available evidence is currently insufficient to determine the role of this variant in disease. Therefore, it has been classified as a Variant of Uncertain Significance. Algorithms developed to predict the effect of missense changes on protein structure and function are either unavailable or do not agree on the potential impact of this missense change (SIFT: "Deleterious"; PolyPhen-2: "Probably Damaging"; Align-GVGD: "Class C15"). This variant has not been reported in the literature in individuals affected with LAT-related conditions. This variant is not present in population databases (gnomAD no frequency). This sequence change replaces proline, which is neutral and non-polar, with arginine, which is basic and polar, at codon 59 of the LAT protein (p.Pro59Arg).

NM_001014987.2(LAT):c.176C>G (p.Pro59Arg)

Gene: LAT (linker for activation of T cells; plus strand). Cytogenetic location: 16p11.2.
Variant type: single nucleotide variant.
Coding change: c.176C>G on transcript NM_001014987.2 (MANE Select); coding-DNA position 176, C replaced by G.
Protein change: p.Pro59Arg; replaces proline 59 with arginine.
Molecular consequence: missense variant.
Genome position (GRCh38, 1-based): chr16:28,986,147, C>G. VCF-style: chr16-28986147-C-G. GRCh37 (hg19) VCF-style: chr16-28997468-C-G.
Other names: c.176C>G, p.Pro59Arg (NM_001014988.2, NM_014387.4); c.284C>G, p.Pro95Arg (NM_001014989.2); short protein forms P95R, P59R.
Identifiers: ClinVar variation 1490390 (VCV001490390.6), dbSNP rs2141684774, ClinGen allele CA395439888.